The following is an entry in ClinVar:

ClinVar aggregate classification (germline): Uncertain significance (1 of 4 stars; one submission).

Conditions:
Dyskeratosis congenita. Identifiers: Orphanet 1775, MedGen C0265965, MONDO:0015780.

Allele frequency attached by ClinVar (database versions not stated): gnomAD 0.00001; gnomAD exomes 0.00001.

Submission:

Labcorp Genetics (formerly Invitae), Labcorp
Classification: Uncertain significance for Dyskeratosis congenita. Last evaluated: 2023-11-25. Review status: criteria provided, single submitter. Criteria: Invitae Variant Classification Sherloc (09022015). Collection method: clinical testing. Allele origin: germline.
Comment: This sequence change replaces alanine, which is neutral and non-polar, with threonine, which is neutral and polar, at codon 428 of the CTC1 protein (p.Ala428Thr). This variant is present in population databases (no rsID available, gnomAD 0.006%). This variant has not been reported in the literature in individuals affected with CTC1-related conditions. ClinVar contains an entry for this variant (Variation ID: 1524811). Advanced modeling of protein sequence and biophysical properties (such as structural, functional, and spatial information, amino acid conservation, physicochemical variation, residue mobility, and thermodynamic stability) performed at Invitae indicates that this missense variant is not expected to disrupt CTC1 protein function with a negative predictive value of 80%. In summary, the available evidence is currently insufficient to determine the role of this variant in disease. Therefore, it has been classified as a Variant of Uncertain Significance.

NM_025099.6(CTC1):c.1282G>A (p.Ala428Thr)

Gene: CTC1 (CST telomere replication complex component 1; minus strand). Cytogenetic location: 17p13.1.
Variant type: single nucleotide variant.
Coding change: c.1282G>A on transcript NM_025099.6 (MANE Select); coding-DNA position 1282, G replaced by A.
Protein change: p.Ala428Thr; replaces alanine 428 with threonine.
Molecular consequence: missense variant. On other transcripts: non-coding transcript variant (1).
Genome position (GRCh38, 1-based): chr17:8,235,210, C>T on the plus strand (G>A on the coding strand, the complement: CTC1 is on the minus strand). VCF-style: chr17-8235210-C-T. GRCh37 (hg19) VCF-style: chr17-8138528-C-T.
Other names: short protein forms A428T.
Identifiers: ClinVar variation 1524811 (VCV001524811.4), dbSNP rs1382263305, ClinGen allele CA397984849.